The following is an entry in ClinVar:

ClinVar aggregate classification (germline): Uncertain significance (1 of 4 stars; one submission).

Conditions:
Wilson disease (WND). Also called: Wilson's disease. Identifiers: Orphanet 905, MedGen C0019202, MONDO:0010200, OMIM 277900. Disease mechanism: loss of function.

Submission:

All of Us Research Program, National Institutes of Health
Classification: Uncertain significance for Wilson disease. Last evaluated: 2024-01-08. Review status: criteria provided, single submitter. Criteria: ACMG Guidelines, 2015. Collection method: clinical testing. Allele origin: germline. Inheritance: Autosomal recessive inheritance. Observed: 1 variant allele, 1 heterozygote.
Comment: This missense variant replaces arginine with threonine at codon 758 of the ATP7B protein. Computational prediction suggests that this variant may not impact protein structure and function (internally defined REVEL score threshold <= 0.5, PMID: 27666373). To our knowledge, functional studies have not been reported for this variant. This variant has not been reported in individuals affected with ATP7B-related disorders in the literature. This variant has not been identified in the general population by the Genome Aggregation Database (gnomAD). The available evidence is insufficient to determine the role of this variant in disease conclusively. Therefore, this variant is classified as a Variant of Uncertain Significance.

This study involves interpretation of variants in research participants for the purpose of population health screening. Participant phenotype was not available at the time of variant classification. Additional details can be found in publication PMID: 35346344, PMCID: PMC8962531

NM_000053.4(ATP7B):c.2273G>C (p.Arg758Thr)

Gene: ATP7B (ATPase copper transporting beta; minus strand). Cytogenetic location: 13q14.3.
Variant type: single nucleotide variant.
Coding change: c.2273G>C on transcript NM_000053.4 (MANE Select); coding-DNA position 2273, G replaced by C.
Protein change: p.Arg758Thr; replaces arginine 758 with threonine.
Molecular consequence: missense variant. On other transcripts: intron variant (14).
Genome position (GRCh38, 1-based): chr13:51,958,393, C>G on the plus strand (G>C on the coding strand, the complement: ATP7B is on the minus strand). VCF-style: chr13-51958393-C-G. GRCh37 (hg19) VCF-style: chr13-52532529-C-G.
Other names: c.1940G>C, p.Arg647Thr (NM_001243182.2); c.2021G>C, p.Arg674Thr (NM_001330579.2, NM_001406531.1, NM_001406532.1 and 1 more transcripts); c.2273G>C, p.Arg758Thr (NM_001406511.1, NM_001406512.1, NM_001406513.1 and 7 more transcripts); c.2240G>C, p.Arg747Thr (NM_001406514.1); c.2177G>C, p.Arg726Thr (NM_001406517.1, NM_001406518.1); c.2129G>C, p.Arg710Thr (NM_001406520.1, NM_001406521.1, NM_001406522.1 and 1 more transcripts); c.2096G>C, p.Arg699Thr (NM_001406524.1); c.2033G>C, p.Arg678Thr (NM_001406530.1); and 8 more; short protein forms R615T, R642T, R647T, R674T, R678T, R699T, R710T, R726T.
Identifiers: ClinVar variation 3075296 (VCV003075296.1), dbSNP rs2547715307, ClinGen allele CA388022047.